The following is an entry in ClinVar:

NM_019066.5(MAGEL2):c.3311A>G (p.Tyr1104Cys)

Gene: MAGEL2 (MAGE family member L2; minus strand). Cytogenetic location: 15q11.2.
Variant type: single nucleotide variant.
Coding change: c.3311A>G on transcript NM_019066.5 (MANE Select); coding-DNA position 3311, A replaced by G.
Protein change: p.Tyr1104Cys; replaces tyrosine 1104 with cysteine.
Molecular consequence: missense variant.
Genome position (GRCh38, 1-based): chr15:23,644,432, T>C on the plus strand (A>G on the coding strand, the complement: MAGEL2 is on the minus strand). VCF-style: chr15-23644432-T-C. GRCh37 (hg19) VCF-style: chr15-23889579-T-C.
Other names: short protein forms Y1104C.
Identifiers: ClinVar variation 3344612 (VCV003344612.1).

ClinVar aggregate classification (germline): Uncertain significance (0 of 4 stars; one submission).

Conditions:
MAGEL2-related disorder. Also called: MAGEL2-related condition.

Submission:

PreventionGenetics, part of Exact Sciences
Classification: Uncertain significance for MAGEL2-related condition. Last evaluated: 2024-06-18. Review status: no assertion criteria provided. Collection method: clinical testing. Allele origin: germline.
Comment: The MAGEL2 c.3311A>G variant is predicted to result in the amino acid substitution p.Tyr1104Cys. To our knowledge, this variant has not been reported in the literature. This variant is reported in 0.00089% of alleles in individuals of European (Non-Finnish) descent in gnomAD. At this time, the clinical significance of this variant is uncertain due to the absence of conclusive functional and genetic evidence.